The following is an entry in ClinVar:

NM_001364905.1(LRBA):c.224G>C (p.Gly75Ala)

Gene: LRBA (LPS responsive beige-like anchor protein; minus strand). Cytogenetic location: 4q31.3.
Variant type: single nucleotide variant.
Coding change: c.224G>C on transcript NM_001364905.1 (MANE Select); coding-DNA position 224, G replaced by C.
Protein change: p.Gly75Ala; replaces glycine 75 with alanine.
Molecular consequence: missense variant.
Genome position (GRCh38, 1-based): chr4:150,929,058, C>G on the plus strand (G>C on the coding strand, the complement: LRBA is on the minus strand). VCF-style: chr4-150929058-C-G. GRCh37 (hg19) VCF-style: chr4-151850210-C-G.
Other names: c.224G>C, p.Gly75Ala (NM_001199282.3, NM_001367550.1, NM_006726.5); short protein forms G75A.
Identifiers: ClinVar variation 664312 (VCV000664312.8), dbSNP rs370110788, ClinGen allele CA3103920.
Genomic context (GRCh38, chr4:150,929,058, plus strand): 5'-ATGCAGTTAATACTCTCACCTTCTTGGATAATGAAATTCATTTCCAGATCAAACTGTCCT[C>G]CTACCAACTTACAAGGAAAAAAAAAAAACACATTAAAAGCATTAGTATCCTCAATATCAC-3'
Protein context (NP_001351834.1, residues 65-85): IVETVFNLLV[Gly75Ala]GQFDLEMNFI

ClinVar aggregate classification (germline): Uncertain significance (1 of 4 stars; one submission).

Conditions:
Combined immunodeficiency due to LRBA deficiency. Also called: Common variable immunodeficiency 8, with autoimmunity. Identifiers: Orphanet 445018, MedGen C3553512, MONDO:0013863, OMIM 614700.

Allele frequency attached by ClinVar (database versions not stated): TOPMed 0.00001.
gnomAD v4.1: 7 of 1,606,168 alleles (0.00044%); highest among the groups gnomAD compares: Admixed American, 0.0017%; no homozygotes.

Submission:

Labcorp Genetics (formerly Invitae), Labcorp
Classification: Uncertain significance for Combined immunodeficiency due to LRBA deficiency. Last evaluated: 2022-04-08. Review status: criteria provided, single submitter. Criteria: Invitae Variant Classification Sherloc (09022015). Collection method: clinical testing. Allele origin: germline.
Comment: In summary, the available evidence is currently insufficient to determine the role of this variant in disease. Therefore, it has been classified as a Variant of Uncertain Significance. Algorithms developed to predict the effect of missense changes on protein structure and function are either unavailable or do not agree on the potential impact of this missense change (SIFT: "Tolerated"; PolyPhen-2: "Probably Damaging"; Align-GVGD: "Class C0"). ClinVar contains an entry for this variant (Variation ID: 664312). This variant has not been reported in the literature in individuals affected with LRBA-related conditions. The frequency data for this variant in the population databases is considered unreliable, as metrics indicate poor data quality at this position in the gnomAD database. This sequence change replaces glycine, which is neutral and non-polar, with alanine, which is neutral and non-polar, at codon 75 of the LRBA protein (p.Gly75Ala).